The following is an entry in ClinVar:

ClinVar aggregate classification (germline): Likely pathogenic (1 of 4 stars; one submission).

Submission:

Mayo Clinic Laboratories, Mayo Clinic
Classification: Likely pathogenic. Last evaluated: 2020-12-29. Review status: criteria provided, single submitter. Criteria: ACMG Guidelines, 2015. Collection method: clinical testing. Allele origin: germline. Observed: 1 variant allele.
Comment: PVS1, PM2

NM_000037.4(ANK1):c.3186C>G (p.Tyr1062Ter)

Gene: ANK1 (ankyrin 1; minus strand). Cytogenetic location: 8p11.21.
Variant type: single nucleotide variant.
Coding change: c.3186C>G on transcript NM_000037.4 (MANE Select); coding-DNA position 3186, C replaced by G.
Protein change: p.Tyr1062Ter; replaces tyrosine 1062 with a stop codon.
Molecular consequence: nonsense.
Genome position (GRCh38, 1-based): chr8:41,694,733, G>C on the plus strand (C>G on the coding strand, the complement: ANK1 is on the minus strand). VCF-style: chr8-41694733-G-C. GRCh37 (hg19) VCF-style: chr8-41552251-G-C.
Other names: c.3309C>G, p.Tyr1103Ter (NM_001142446.2); c.3186C>G, p.Tyr1062Ter (NM_020475.3, NM_020476.3, NM_020477.3); short protein forms Y1062*, Y1103*.
Identifiers: ClinVar variation 1163885 (VCV001163885.5), dbSNP rs1247598917, ClinGen allele CA371060642.
Genomic context (GRCh38, chr8:41,694,733, plus strand): 5'-GGAGCCCCCTTCGGGACCGATGGTGTCGTAGTCCTGGCAGAGCCGTGACATGATCACGAA[G>C]TACAGCGGGAAGTCGGTGGTGATGATTCGGCACACCCTCTTCTTCTCTAGCTCCTCCAGG-3'